The following is an entry in ClinVar:

NM_001376.5(DYNC1H1):c.2644C>A (p.Gln882Lys)

Gene: DYNC1H1 (dynein cytoplasmic 1 heavy chain 1; plus strand). Cytogenetic location: 14q32.31.
Variant type: single nucleotide variant.
Coding change: c.2644C>A on transcript NM_001376.5 (MANE Select); coding-DNA position 2644, C replaced by A.
Protein change: p.Gln882Lys; replaces glutamine 882 with lysine.
Molecular consequence: missense variant.
Genome position (GRCh38, 1-based): chr14:101,987,558, C>A. VCF-style: chr14-101987558-C-A. GRCh37 (hg19) VCF-style: chr14-102453895-C-A.
Other names: short protein forms Q882K.
Identifiers: ClinVar variation 977612 (VCV000977612.2), dbSNP rs2047950288, ClinGen allele CA391027464.

ClinVar aggregate classification (germline): Likely pathogenic. Review status: criteria provided, single submitter (1 of 4 stars). 2 submissions from 1 submitter: Likely pathogenic (2). Last evaluated 2020-08-03.

Conditions:
Cortical dysplasia, complex, with other brain malformations 13. Also called: Intellectual disability, autosomal dominant 13. Identifiers: MedGen C3281202, MONDO:0013805, OMIM 614563.
Intellectual disability. Also called: intellectual disabilities; Intellectual developmental disorder; Intellectual functioning disability. Identifiers: MedGen C3714756, MeSH D008607, MONDO:0001071, HP:0001249.

Submissions (2):

Institute of Human Genetics, University of Leipzig Medical Center
Classification: Likely pathogenic for Intellectual disability. Last evaluated: 2020-08-03. Review status: criteria provided, single submitter. Criteria: ACMG Guidelines, 2015. Collection method: clinical testing. Allele origin: de novo. Affected: yes.

Institute of Human Genetics, University of Leipzig Medical Center
Classification: Likely pathogenic for Cortical dysplasia, complex, with other brain malformations 13. Last evaluated: 2019-01-01. Review status: criteria provided, single submitter. Criteria: ACMG Guidelines, 2015. Collection method: clinical testing. Allele origin: unknown. Affected: yes.